The following is an entry in ClinVar:

NM_000051.4(ATM):c.6336C>T (p.Cys2112=)

Genes: C11orf65 (chromosome 11 open reading frame 65; minus strand), ATM (ATM serine/threonine kinase; plus strand). Cytogenetic location: 11q22.3.
Variant type: single nucleotide variant.
Coding change: c.6336C>T on transcript NM_000051.4 (MANE Select); coding-DNA position 6336, C replaced by T.
Protein change: p.Cys2112=; no amino-acid change (cysteine 2112 retained).
Molecular consequence: synonymous variant. On other transcripts: intron variant (2).
Genome position (GRCh38, 1-based): chr11:108,317,510, C>T. VCF-style: chr11-108317510-C-T. GRCh37 (hg19) VCF-style: chr11-108188237-C-T.
Other names: c.6336C>T, p.Cys2112= (NM_001351834.2); c.641-8439G>A (NM_001330368.2); c.*39-8439G>A (NM_001351110.2).
Identifiers: ClinVar variation 453622 (VCV000453622.15), dbSNP rs755845798, ClinGen allele CA6265905.

ClinVar aggregate classification (germline): Benign/Likely benign. Review status: criteria provided, multiple submitters, no conflicts (2 of 4 stars). 3 submissions from 3 submitters: Benign (1); Likely benign (2). Last evaluated 2024-06-05.

Conditions:
Hereditary cancer-predisposing syndrome. Also called: Neoplastic Syndromes, Hereditary; Hereditary Cancer Syndrome; Tumor predisposition; Hereditary neoplastic syndrome. Identifiers: Orphanet 140162, MedGen C0027672, MeSH D009386, MONDO:0015356.
Familial cancer of breast. Also called: Hereditary breast cancer; BREAST CANCER, FAMILIAL; hereditary breast carcinoma. Identifiers: Orphanet 227535, MedGen C0346153, MONDO:0016419, OMIM 114480. Disease mechanism: loss of function.
Ataxia-telangiectasia syndrome (AT). Also called: LOUIS-BAR SYNDROME; Cerebello-oculocutaneous telangiectasia; Immunodeficiency with ataxia telangiectasia; Ataxia-telangiectasia, complementation group D; AT, COMPLEMENTATION GROUP C; Ataxia-telangiectasia, complementation group E. Identifiers: Orphanet 100, MedGen C0004135, MONDO:0008840, OMIM 208900.

Allele frequency attached by ClinVar (database versions not stated): gnomAD exomes below 0.00001 and 0.00001; ExAC 0.00001.
gnomAD v4.1: 1 of 1,606,640 alleles (0.000062%); highest among the groups gnomAD compares: South Asian, 0.0011%; no homozygotes.

Submissions (3):

Myriad Genetics, Inc.
Classification: Benign for Familial cancer of breast. Last evaluated: 2024-06-05. Review status: criteria provided, single submitter. Criteria: Myriad Autosomal Dominant, Autosomal Recessive and X-Linked Classification Criteria (2023). Collection method: clinical testing. Allele origin: unknown.
Comment: This variant is considered benign. This variant is a silent/synonymous amino acid change and it is not expected to impact splicing.

Labcorp Genetics (formerly Invitae), Labcorp
Classification: Likely benign for Ataxia-telangiectasia syndrome. Last evaluated: 2020-09-30. Review status: criteria provided, single submitter. Criteria: Invitae Variant Classification Sherloc (09022015). Collection method: clinical testing. Allele origin: germline.

Color Diagnostics, LLC DBA Color Health
Classification: Likely benign for Hereditary cancer-predisposing syndrome. Last evaluated: 2018-12-10. Review status: criteria provided, single submitter. Criteria: ACMG Guidelines, 2015. Collection method: clinical testing. Allele origin: germline.